The following is an entry in ClinVar:

NM_138459.5(NUS1):c.225del (p.Ser76fs)

Gene: NUS1 (NUS1 dehydrodolichyl diphosphate synthase subunit; plus strand). Cytogenetic location: 6q22.1.
Variant type: Deletion.
Coding change: c.225del on transcript NM_138459.5 (MANE Select); coding-DNA position 225, one base deleted (G; older notation c.225delG).
Protein change: p.Ser76fs; shifts the reading frame from serine 76.
Molecular consequence: frameshift variant.
Genome position (GRCh38, 1-based): chr6:117,675,895, G deleted; the last of 6 consecutive G bases (chr6:117,675,890-117,675,895); deleting any one gives the same sequence. VCF-style (leftmost placement, unchanged base first): chr6-117675889-CG-C. GRCh37 (hg19) VCF-style: chr6-117997052-CG-C.
Other names: short protein forms S76fs.
Identifiers: ClinVar variation 2852858 (VCV002852858.4), dbSNP rs2481983107, ClinGen allele CA2680154991.
Genomic context (GRCh38, chr6:117,675,889, plus strand): 5'-CTTCACGCTCCGCAAGCCCCCGGCAGTCGGCAGGAACCGCCGTCACCACCGGCACCCGCG[CG>C]GGGGGTCGTGCCTGGCAGCCGCACACCACCGGATGCGCTGGCGCGCGGACGGTCGTTCCT-3'

ClinVar aggregate classification (germline): Pathogenic/Likely pathogenic. Review status: criteria provided, multiple submitters, no conflicts (2 of 4 stars). 2 submissions from 2 submitters: Pathogenic (1); Likely pathogenic (1). Last evaluated 2023-04-06.

Conditions:
Congenital disorder of glycosylation, type Iaa. Also called: Congenital disorder of glycosylation, type 1aa. Identifiers: MedGen C4310727, MONDO:0014904, OMIM 617082.
NUS1-related disorder. Also called: NUS1-related condition; NUS1-Related Disorders. Identifiers: MedGen CN382504, MONDO:1060287.

Submissions (2):

Labcorp Genetics (formerly Invitae), Labcorp
Classification: Pathogenic for Congenital disorder of glycosylation, type Iaa. Last evaluated: 2023-04-06. Review status: criteria provided, single submitter. Criteria: Invitae Variant Classification Sherloc (09022015). Collection method: clinical testing. Allele origin: germline.
Comment: This variant is not present in population databases (gnomAD no frequency). This variant has not been reported in the literature in individuals affected with NUS1-related conditions. For these reasons, this variant has been classified as Pathogenic. This sequence change creates a premature translational stop signal (p.Ser76Argfs*29) in the NUS1 gene. It is expected to result in an absent or disrupted protein product. Loss-of-function variants in NUS1 are known to be pathogenic (PMID: 29100083).

Blueprint Genetics
Classification: Likely pathogenic for NUS1-related disorders. Last evaluated: 2021-09-06. Review status: criteria provided, single submitter. Criteria: ACMG Guidelines, 2015. Collection method: clinical testing. Allele origin: germline. Affected: yes. Observed: 1 variant allele.

Literature cited by the submitters: PubMed 29100083 (cited by Labcorp Genetics (formerly Invitae), Labcorp).